The following is an entry in ClinVar:

ClinVar aggregate classification (germline): Conflicting classifications of pathogenicity. Review status: criteria provided, conflicting classifications (1 of 4 stars). 2 submissions from 2 submitters: Pathogenic (1); Uncertain significance (1). Last evaluated 2024-02-26.

Conditions:
Hereditary cancer-predisposing syndrome. Also called: Neoplastic Syndromes, Hereditary; Tumor predisposition; Hereditary Cancer Syndrome; Hereditary neoplastic syndrome. Identifiers: Orphanet 140162, MedGen C0027672, MeSH D009386, MONDO:0015356.
Hereditary pheochromocytoma and paraganglioma. Also called: Hereditary paragangliomas and pheochromocytomas; Hereditary Paraganglioma-Pheochromocytoma Syndromes; Hereditary pheochromocytoma-paraganglioma. Identifiers: Orphanet 29072, MedGen C4274332, MONDO:0017366.

Submissions (2):

Ambry Genetics
Classification: Pathogenic for Hereditary cancer-predisposing syndrome. Last evaluated: 2024-02-26. Review status: criteria provided, single submitter. Criteria: Ambry Variant Classification Scheme 2023. Collection method: clinical testing. Allele origin: germline.
Comment: The p.E111* pathogenic mutation (also known as c.331G>T), located in coding exon 3 of the SDHAF2 gene, results from a G to T substitution at nucleotide position 331. This changes the amino acid from a glutamic acid to a stop codon within coding exon 3. This alteration occurs at the 3' terminus of theSDHAF2 gene, is not expected to trigger nonsense-mediated mRNA decay, and impacts the last 34% of the protein. However, premature stop codons are typically deleterious in nature and the impacted region is critical for protein function and a significant portion of the protein is affected (Ambry internal data). This variant is considered to be rare based on population cohorts in the Genome Aggregation Database (gnomAD). Based on the supporting evidence, this alteration is interpreted as a disease-causing mutation.

Labcorp Genetics (formerly Invitae), Labcorp
Classification: Uncertain significance for Hereditary pheochromocytoma and paraganglioma. Last evaluated: 2024-02-13. Review status: criteria provided, single submitter. Criteria: Invitae Variant Classification Sherloc (09022015). Collection method: clinical testing. Allele origin: germline.
Comment: This sequence change creates a premature translational stop signal (p.Glu111*) in the SDHAF2 gene. While this is not anticipated to result in nonsense mediated decay, it is expected to disrupt the last 56 amino acid(s) of the SDHAF2 protein. This variant is not present in population databases (gnomAD no frequency). This variant has not been reported in the literature in individuals affected with SDHAF2-related conditions. Experimental studies and prediction algorithms are not available or were not evaluated, and the functional significance of this variant is currently unknown. In summary, the available evidence is currently insufficient to determine the role of this variant in disease. Therefore, it has been classified as a Variant of Uncertain Significance.

NM_017841.4(SDHAF2):c.331G>T (p.Glu111Ter)

Gene: SDHAF2 (succinate dehydrogenase complex assembly factor 2; plus strand). Cytogenetic location: 11q12.2.
Variant type: single nucleotide variant.
Coding change: c.331G>T on transcript NM_017841.4 (MANE Select); coding-DNA position 331, G replaced by T.
Protein change: p.Glu111Ter; replaces glutamic acid 111 with a stop codon.
Molecular consequence: nonsense.
Genome position (GRCh38, 1-based): chr11:61,438,074, G>T. VCF-style: chr11-61438074-G-T. GRCh37 (hg19) VCF-style: chr11-61205546-G-T.
Other names: short protein forms E111*.
Identifiers: ClinVar variation 3227055 (VCV003227055.3), dbSNP rs145616631, ClinGen allele CA380684167.